The following is an entry in ClinVar:

ClinVar aggregate classification (germline): Uncertain significance (1 of 4 stars; one submission).

gnomAD v4.1: 1 of 1,614,142 alleles (0.000062%); highest among the groups gnomAD compares: Non-Finnish European, 0.000085%; no homozygotes.

Submission:

CeGaT Center for Human Genetics Tuebingen
Classification: Uncertain significance. Last evaluated: 2026-09-01. Review status: criteria provided, single submitter. Criteria: CeGaT Center For Human Genetics Tuebingen Variant Classification Criteria Version 2. Collection method: clinical testing. Allele origin: germline. Affected: yes. Observed: 1 variant allele.
Comment: NMNAT1: PM2

NM_022787.4(NMNAT1):c.698G>A (p.Gly233Asp)

Gene: NMNAT1 (nicotinamide nucleotide adenylyltransferase 1; plus strand). Cytogenetic location: 1p36.22.
Variant type: single nucleotide variant.
Coding change: c.698G>A on transcript NM_022787.4 (MANE Select); coding-DNA position 698, G replaced by A.
Protein change: p.Gly233Asp; replaces glycine 233 with aspartic acid.
Molecular consequence: missense variant.
Genome position (GRCh38, 1-based): chr1:9,982,559, G>A. VCF-style: chr1-9982559-G-A. GRCh37 (hg19) VCF-style: chr1-10042617-G-A.
Other names: c.698G>A, p.Gly233Asp (NM_001297778.1); short protein forms G233D.
Identifiers: ClinVar variation 5039714 (VCV005039714.1).